The following is an entry in ClinVar:

ClinVar aggregate classification (germline): Uncertain significance (1 of 4 stars; one submission).

Conditions:
Frontotemporal dementia and/or amyotrophic lateral sclerosis 5. Identifiers: MedGen C5436884, MONDO:0030875, OMIM 619141.

Allele frequency attached by ClinVar (database versions not stated): gnomAD exomes below 0.00001; gnomAD 0.00001; TOPMed 0.00002; 1000 Genomes Project 30x 0.00016; 1000 Genomes Project 0.00020.
gnomAD v4.1: 9 of 1,613,992 alleles (0.00056%); highest among the groups gnomAD compares: African/African-American, 0.0027%; no homozygotes.

Submission:

Neuberg Centre For Genomic Medicine, NCGM
Classification: Uncertain significance for Frontotemporal dementia and/or amyotrophic lateral sclerosis 5. Review status: criteria provided, single submitter. Criteria: ACMG Guidelines, 2015. Collection method: clinical testing. Allele origin: germline. Inheritance: Autosomal dominant inheritance. Affected: yes.
Comment: The missense c.62G>A (p.Arg21Gln) variant in CCNF gene has not been reported previously as a pathogenic variant nor as a benign variant, to our knowledge. This variant is reported with the allele frequency 0.0003% in the gnomAD and novel in 1000 genome database. The amino acid Arg at position 21 is changed to a Gln changing protein sequence and it might alter its composition and physico-chemical properties. For these reasons, this variant has been classified as Uncertain Significance.

NM_001761.3(CCNF):c.62G>A (p.Arg21Gln)

Gene: CCNF (cyclin F; plus strand). Cytogenetic location: 16p13.3.
Variant type: single nucleotide variant.
Coding change: c.62G>A on transcript NM_001761.3 (MANE Select); coding-DNA position 62, G replaced by A.
Protein change: p.Arg21Gln; replaces arginine 21 with glutamine.
Molecular consequence: missense variant. On other transcripts: 5 prime UTR variant (1).
Genome position (GRCh38, 1-based): chr16:2,431,175, G>A. VCF-style: chr16-2431175-G-A. GRCh37 (hg19) VCF-style: chr16-2481176-G-A.
Other names: c.-756G>A (NM_001323538.2); short protein forms R21Q.
Identifiers: ClinVar variation 2585153 (VCV002585153.1), dbSNP rs200973445, ClinGen allele CA276807684.
Genomic context (GRCh38, chr16:2,431,175, plus strand): 5'-CTTTTTTTCCTTCAGTGGTCCACTGTAGGTGTGCCAAGTGTTTCTGTTATCCTACAAAGC[G>A]AAGAATAAGGAGGAGGCCCCGAAACCTGACCATCTTGAGTCTCCCCGAAGATGTGCTCTT-3'
Protein context (NP_001752.2, residues 11-31): CAKCFCYPTK[Arg21Gln]RIRRRPRNLT